The following is an entry in ClinVar:

ClinVar aggregate classification (germline): Benign. Review status: criteria provided, multiple submitters, no conflicts (2 of 4 stars). 3 submissions from 3 submitters: Benign (2). 1 of the submissions does not count toward it. Last evaluated 2026-01-26.

Conditions:
IGSF10-related disorder. Also called: IGSF10-related condition.

Allele frequency attached by ClinVar (database versions not stated): gnomAD exomes 0.00362 and 0.00969; ExAC 0.01139; gnomAD 0.03599 and 0.03874; 1000 Genomes Project 0.03694; 1000 Genomes Project 30x 0.03857; TOPMed 0.04114; ESP Exome Variant Server 0.04213.
gnomAD v4.1: 11,033 of 1,614,104 alleles (0.68%); highest among the groups gnomAD compares: African/African-American, 13%; 602 homozygotes.

Submissions (3):

Labcorp Genetics (formerly Invitae), Labcorp
Classification: Benign. Last evaluated: 2026-01-26. Review status: criteria provided, single submitter. Criteria: Invitae Variant Classification Sherloc (09022015). Collection method: clinical testing. Allele origin: germline.

Breakthrough Genomics
Classification: Benign. Review status: criteria provided, single submitter. Criteria: ACMG Guidelines, 2015. Collection method: not provided. Allele origin: germline. Inheritance: Unknown mechanism. Affected: yes.

PreventionGenetics, part of Exact Sciences
Classification: Benign for IGSF10-related condition. Last evaluated: 2019-06-07. Review status: no assertion criteria provided. Collection method: clinical testing. Allele origin: germline. Not counted in ClinVar's aggregate classification.
Comment: This variant is classified as benign based on ACMG/AMP sequence variant interpretation guidelines (Richards et al. 2015 PMID: 25741868, with internal and published modifications).

NM_178822.5(IGSF10):c.7735C>T (p.His2579Tyr)

Gene: IGSF10 (immunoglobulin superfamily member 10; minus strand). Cytogenetic location: 3q25.1.
Variant type: single nucleotide variant.
Coding change: c.7735C>T on transcript NM_178822.5 (MANE Select); coding-DNA position 7735, C replaced by T.
Protein change: p.His2579Tyr; replaces histidine 2579 with tyrosine.
Molecular consequence: missense variant.
Genome position (GRCh38, 1-based): chr3:151,436,826, G>A on the plus strand (C>T on the coding strand, the complement: IGSF10 is on the minus strand). VCF-style: chr3-151436826-G-A. GRCh37 (hg19) VCF-style: chr3-151154614-G-A.
Other names: c.7735C>T (NM_178822.4); c.1672C>T, p.His558Tyr (NM_001178145.3, NM_001178146.3); c.7735C>T, p.His2579Tyr (NM_001385060.1, NM_001385061.1, NM_001385062.1 and 1 more transcripts); short protein forms H2579Y, H558Y.
Identifiers: ClinVar variation 1614226 (VCV001614226.11), dbSNP rs7624011, ClinGen allele CA2669188.